The following is an entry in ClinVar:

ClinVar aggregate classification (germline): Uncertain significance (1 of 4 stars; one submission).

Conditions:
Intellectual developmental disorder, autosomal recessive 7. Also called: Intellectual disability, autosomal recessive 7. Identifiers: Orphanet 88616, MedGen C1970197, MONDO:0012615, OMIM 611093.

Allele frequency attached by ClinVar (database versions not stated): gnomAD exomes below 0.00001; TOPMed below 0.00001; gnomAD 0.00001.
gnomAD v4.1: 7 of 1,608,580 alleles (0.00044%); highest among the groups gnomAD compares: Admixed American, 0.0017%; no homozygotes.

Submission:

Labcorp Genetics (formerly Invitae), Labcorp
Classification: Uncertain significance for Intellectual developmental disorder, autosomal recessive 7. Last evaluated: 2019-11-26. Review status: criteria provided, single submitter. Criteria: Invitae Variant Classification Sherloc (09022015). Collection method: clinical testing. Allele origin: germline.
Comment: In summary, the available evidence is currently insufficient to determine the role of this variant in disease. Therefore, it has been classified as a Variant of Uncertain Significance. Algorithms developed to predict the effect of sequence changes on RNA splicing suggest that this variant may create or strengthen a splice site, but this prediction has not been confirmed by published transcriptional studies. Algorithms developed to predict the effect of missense changes on protein structure and function (SIFT, PolyPhen-2, Align-GVGD) all suggest that this variant is likely to be tolerated, but these predictions have not been confirmed by published functional studies and their clinical significance is uncertain. This variant has not been reported in the literature in individuals with TUSC3-related conditions. This variant is not present in population databases (ExAC no frequency). This sequence change replaces glycine with arginine at codon 23 of the TUSC3 protein (p.Gly23Arg). The glycine residue is weakly conserved and there is a moderate physicochemical difference between glycine and arginine.

NM_006765.4(TUSC3):c.67G>A (p.Gly23Arg)

Gene: TUSC3 (tumor suppressor candidate 3; plus strand). Cytogenetic location: 8p22.
Variant type: single nucleotide variant.
Coding change: c.67G>A on transcript NM_006765.4 (MANE Select); coding-DNA position 67, G replaced by A.
Protein change: p.Gly23Arg; replaces glycine 23 with arginine.
Molecular consequence: missense variant.
Genome position (GRCh38, 1-based): chr8:15,540,497, G>A. VCF-style: chr8-15540497-G-A. GRCh37 (hg19) VCF-style: chr8-15398006-G-A.
Other names: c.67G>A, p.Gly23Arg (NM_001356429.2, NM_178234.2); short protein forms G23R.
Identifiers: ClinVar variation 848284 (VCV000848284.7), dbSNP rs1454870259, ClinGen allele CA370389460.